The following is an entry in ClinVar:

NM_176824.3(BBS7):c.1182C>T (p.Tyr394=)

Gene: BBS7 (Bardet-Biedl syndrome 7; minus strand). Cytogenetic location: 4q27.
Variant type: single nucleotide variant.
Coding change: c.1182C>T on transcript NM_176824.3 (MANE Select); coding-DNA position 1182, C replaced by T.
Protein change: p.Tyr394=; no amino-acid change (tyrosine 394 retained).
Molecular consequence: synonymous variant.
Genome position (GRCh38, 1-based): chr4:121,845,552, G>A on the plus strand (C>T on the coding strand, the complement: BBS7 is on the minus strand). VCF-style: chr4-121845552-G-A. GRCh37 (hg19) VCF-style: chr4-122766707-G-A.
Other names: c.1182C>T, p.Tyr394= (NM_018190.4).
Identifiers: ClinVar variation 3344763 (VCV003344763.1).

ClinVar aggregate classification (germline): Likely benign (0 of 4 stars; one submission).

Conditions:
BBS7-related disorder. Also called: BBS7-related condition.

Submission:

PreventionGenetics, part of Exact Sciences
Classification: Likely benign for BBS7-related condition. Last evaluated: 2024-06-07. Review status: no assertion criteria provided. Collection method: clinical testing. Allele origin: germline.
Comment: This variant is classified as likely benign based on ACMG/AMP sequence variant interpretation guidelines (Richards et al. 2015 PMID: 25741868, with internal and published modifications).